The following is an entry in ClinVar:

NM_000520.6(HEXA):c.1336C>T (p.Pro446Ser)

Gene: HEXA (hexosaminidase subunit alpha; minus strand). Cytogenetic location: 15q23.
Variant type: single nucleotide variant.
Coding change: c.1336C>T on transcript NM_000520.6 (MANE Select); coding-DNA position 1336, C replaced by T.
Protein change: p.Pro446Ser; replaces proline 446 with serine.
Molecular consequence: missense variant. On other transcripts: non-coding transcript variant (1).
Genome position (GRCh38, 1-based): chr15:72,346,320, G>A on the plus strand (C>T on the coding strand, the complement: HEXA is on the minus strand). VCF-style: chr15-72346320-G-A. GRCh37 (hg19) VCF-style: chr15-72638661-G-A.
Other names: c.1369C>T, p.Pro457Ser (NM_001318825.2); short protein forms P457S, P446S.
Identifiers: ClinVar variation 2418591 (VCV002418591.2), dbSNP rs750903859, ClinGen allele CA7644715.

ClinVar aggregate classification (germline): Uncertain significance (1 of 4 stars; one submission).

Conditions:
Tay-Sachs disease (TSD). Also called: HEXA DEFICIENCY; HEXA Disorders; GM2 gangliosidosis, type 1; Hexosaminidase alpha-subunit deficiency (variant B); Sphingolipidosis, Tay-Sachs; Hexosaminidase A Deficiency. Identifiers: Orphanet 845, MedGen C0039373, MONDO:0010100, OMIM 272800.

Allele frequency attached by ClinVar (database versions not stated): gnomAD exomes below 0.00001; TOPMed below 0.00001; ExAC 0.00001.
gnomAD v4.1: 5 of 1,613,266 alleles (0.00031%); highest among the groups gnomAD compares: Admixed American, 0.0017%; no homozygotes.

Submission:

Labcorp Genetics (formerly Invitae), Labcorp
Classification: Uncertain significance for Tay-Sachs disease. Last evaluated: 2022-07-30. Review status: criteria provided, single submitter. Criteria: Invitae Variant Classification Sherloc (09022015). Collection method: clinical testing. Allele origin: germline.
Comment: This sequence change replaces proline, which is neutral and non-polar, with serine, which is neutral and polar, at codon 446 of the HEXA protein (p.Pro446Ser). This variant is present in population databases (rs750903859, gnomAD 0.003%). This variant has not been reported in the literature in individuals affected with HEXA-related conditions. Algorithms developed to predict the effect of missense changes on protein structure and function output the following: SIFT: "Tolerated"; PolyPhen-2: "Benign"; Align-GVGD: "Class C0". The serine amino acid residue is found in multiple mammalian species, which suggests that this missense change does not adversely affect protein function. In summary, the available evidence is currently insufficient to determine the role of this variant in disease. Therefore, it has been classified as a Variant of Uncertain Significance.